The following is an entry in ClinVar:

ClinVar aggregate classification (germline): Uncertain significance (1 of 4 stars; one submission).

Conditions:
Rubinstein-Taybi syndrome (RSTS). Identifiers: Orphanet 783, MedGen C0035934, MONDO:0019188.

Submission:

Labcorp Genetics (formerly Invitae), Labcorp
Classification: Uncertain significance for Rubinstein-Taybi syndrome. Last evaluated: 2025-07-30. Review status: criteria provided, single submitter. Criteria: Invitae Variant Classification Sherloc (09022015). Collection method: clinical testing. Allele origin: germline.
Comment: This sequence change replaces glutamine, which is neutral and polar, with glutamic acid, which is acidic and polar, at codon 96 of the CREBBP protein (p.Gln96Glu). This variant is not present in population databases (gnomAD no frequency). This variant has not been reported in the literature in individuals affected with CREBBP-related conditions. Invitae Evidence Modeling of protein sequence and biophysical properties (such as structural, functional, and spatial information, amino acid conservation, physicochemical variation, residue mobility, and thermodynamic stability) indicates that this missense variant is not expected to disrupt CREBBP protein function with a negative predictive value of 95%. In summary, the available evidence is currently insufficient to determine the role of this variant in disease. Therefore, it has been classified as a Variant of Uncertain Significance.

NM_004380.3(CREBBP):c.286C>G (p.Gln96Glu)

Gene: CREBBP (CREB binding lysine acetyltransferase; minus strand). Cytogenetic location: 16p13.3.
Variant type: single nucleotide variant.
Coding change: c.286C>G on transcript NM_004380.3 (MANE Select); coding-DNA position 286, C replaced by G.
Protein change: p.Gln96Glu; replaces glutamine 96 with glutamic acid.
Molecular consequence: missense variant.
Genome position (GRCh38, 1-based): chr16:3,850,809, G>C on the plus strand (C>G on the coding strand, the complement: CREBBP is on the minus strand). VCF-style: chr16-3850809-G-C. GRCh37 (hg19) VCF-style: chr16-3900810-G-C.
Other names: c.286C>G, p.Gln96Glu (NM_001079846.1); short protein forms Q96E.
Identifiers: ClinVar variation 4802902 (VCV004802902.1).